The following is an entry in ClinVar:

NM_022336.4(EDAR):c.202_203insGCTACGGCACCAAAGACGAAG (p.Glu67_Asp68insGlyTyrGlyThrLysAspGlu)

Genes: EDAR (ectodysplasin A receptor; minus strand), RANBP2 (RAN binding protein 2; plus strand). Cytogenetic location: 2q13.
Variant type: Insertion.
Coding change: c.202_203insGCTACGGCACCAAAGACGAAG on transcript NM_022336.4 (MANE Select); coding-DNA positions 202 to 203, GCTACGGCACCAAAGACGAAG inserted.
Protein change: p.Glu67_Asp68insGlyTyrGlyThrLysAspGlu.
Molecular consequence: inframe insertion.
Genome position: GRCh38 VCF-style: chr2-108929351-T-TCTTCGTCTTTGGTGCCGTAGC. GRCh37 (hg19) VCF-style: chr2-109545807-T-TCTTCGTCTTTGGTGCCGTAGC.
Identifiers: ClinVar variation 2011838 (VCV002011838.4), dbSNP rs2470729878, ClinGen allele CA2580063722.

ClinVar aggregate classification (germline): Uncertain significance (1 of 4 stars; one submission).

Conditions:
Ectodermal dysplasia 10A, hypohidrotic/hair/nail type, autosomal dominant (ECTD10A). Also called: Ectodermal Dysplasia 3, Anhidrotic. Identifiers: Orphanet 1810, Orphanet 238468, MedGen C3888065, MONDO:0007509, OMIM 129490.
Autosomal recessive hypohidrotic ectodermal dysplasia syndrome. Also called: Autosomal recessive hypohidrotic ectodermal dysplasia. Identifiers: Orphanet 248, MedGen C0406702, MONDO:0016619.

Submission:

Labcorp Genetics (formerly Invitae), Labcorp
Classification: Uncertain significance for Ectodermal dysplasia 10A, hypohidrotic/hair/nail type, autosomal dominant; Autosomal recessive hypohidrotic ectodermal dysplasia syndrome. Last evaluated: 2022-06-28. Review status: criteria provided, single submitter. Criteria: Invitae Variant Classification Sherloc (09022015). Collection method: clinical testing. Allele origin: germline.
Comment: In summary, the available evidence is currently insufficient to determine the role of this variant in disease. Therefore, it has been classified as a Variant of Uncertain Significance. Experimental studies and prediction algorithms are not available or were not evaluated, and the functional significance of this variant is currently unknown. This variant has been observed in individual(s) with ectodermal dysplasia (Invitae). In at least one individual the data is consistent with being in trans (on the opposite chromosome) from a pathogenic variant. This variant is not present in population databases (gnomAD no frequency). This variant, c.202_203insGCTACGGCACCAAAGACGAAG, results in the insertion of 7 amino acid(s) of the EDAR protein (p.Gly61_Glu67dup), but otherwise preserves the integrity of the reading frame.